The following is an entry in ClinVar:

ClinVar aggregate classification (germline): Conflicting classifications of pathogenicity. Review status: criteria provided, conflicting classifications (1 of 4 stars). 7 submissions from 7 submitters: Uncertain significance (5); Likely benign (1). 1 of the submissions does not count toward it. Last evaluated 2025-12-11.

Conditions:
CHD7-related disorder. Also called: CHD7-related condition.
Childhood onset hearing loss.
Inborn genetic diseases. Identifiers: MedGen C0950123, MeSH D030342.
CHARGE syndrome (CHARGE). Also called: Hittner Hirsch Kreh syndrome; Coloboma, heart anomaly, choanal atresia, retardation, genital and ear anomalies; CHARGE association; Hall-Hittner syndrome; CHARGE ASSOCIATION--COLOBOMA, HEART ANOMALY, CHOANAL ATRESIA, RETARDATION, GENITAL AND EAR ANOMALIES. Identifiers: Orphanet 138, MedGen C0265354, MONDO:0008965.
Hypogonadotropic hypogonadism 5 with or without anosmia (KAL5). Also called: CHD7-Related GnRH Deficiency (Kallmann Syndrome 5); HYPOGONADOTROPIC HYPOGONADISM 5 WITH ANOSMIA; HYPOGONADOTROPHIC HYPOGONADISM 5 WITHOUT ANOSMIA. Identifiers: Orphanet 478, MedGen C3552553, MONDO:0012880, OMIM 612370. Disease mechanism: loss of function.

Allele frequency attached by ClinVar (database versions not stated): ExAC 0.00005; ESP Exome Variant Server 0.00009; gnomAD exomes 0.00001; 1000 Genomes Project 30x 0.00016; gnomAD 0.00007 and 0.00008; TOPMed 0.00007; 1000 Genomes Project 0.00020.
gnomAD v4.1: 25 of 1,473,518 alleles (0.0017%); highest among the groups gnomAD compares: African/African-American, 0.02%; no homozygotes.

Submissions (7):

PreventionGenetics, part of Exact Sciences
Classification: Uncertain significance for CHD7-related condition. Last evaluated: 2025-12-11. Review status: criteria provided, single submitter. Criteria: ACMG Guidelines, 2015. Collection method: clinical testing. Allele origin: germline.
Comment: The CHD7 c.2613+5G>A variant is predicted to interfere with splicing. This variant has been reported in a patient with normosmic hypogonadotropic hypogonadism where it was found to result in exon 8 skipping via RT-PCR in patient lymphoblast cells with the resulting transcript predicted to a result in a frameshift and premature protein termination (described as IVS8+5G>A, Kim et al. 2008. PubMed ID: 18834967). This variant has been also reported as having uncertain significance in a patient with congenital normosmic hypogonadotropic hypogonadism who also had a truncating variant in a different potentially causative gene (Cassatella et al. 2018. PubMed ID: 29419413). This variant has also been reported in two unrelated patients with hearing loss (Adeyemo et al. 2021. PubMed ID: 34837038; Hao et al. 2024. PubMed ID: 39443691). This variant is reported in 0.027% of alleles in individuals of African descent in gnomAD, including 25 heterozygotes in the larger gnomAD v4.1.0 database. Although we suspect that this variant may be pathogenic, at this time, the clinical significance of this variant is uncertain due to the absence of conclusive functional and genetic evidence.

Labcorp Genetics (formerly Invitae), Labcorp
Classification: Uncertain significance for CHARGE syndrome. Last evaluated: 2025-05-07. Review status: criteria provided, single submitter. Criteria: Invitae Variant Classification Sherloc (09022015). Collection method: clinical testing. Allele origin: germline.
Comment: This sequence change falls in intron 8 of the CHD7 gene. It does not directly change the encoded amino acid sequence of the CHD7 protein. RNA analysis indicates that this variant induces altered splicing and may result in an absent or altered protein product. The frequency data for this variant in the population databases is considered unreliable, as metrics indicate poor data quality at this position in the gnomAD database. This variant has been observed in individual(s) with hypogonadotropic hypogonadism (PMID: 18834967, 29419413, 34837038). This variant is also known as IVS8+5G>A. ClinVar contains an entry for this variant (Variation ID: 2035). Variants that disrupt the consensus splice site are a relatively common cause of aberrant splicing (PMID: 17576681, 9536098). Studies have shown that this variant results in skipping of exon 8, and produces a non-functional protein and/or introduces a premature termination codon (PMID: 18834967). In summary, the available evidence is currently insufficient to determine the role of this variant in disease. Therefore, it has been classified as a Variant of Uncertain Significance.

Fulgent Genetics
Classification: Uncertain significance for CHD7-related CHARGE syndrome; Hypogonadotropic hypogonadism 5 with or without anosmia. Last evaluated: 2022-04-13. Review status: criteria provided, single submitter. Criteria: ACMG Guidelines, 2015. Collection method: clinical testing. Allele origin: unknown.

Ambry Genetics
Classification: Likely benign for Inborn genetic diseases. Last evaluated: 2021-08-27. Review status: criteria provided, single submitter. Criteria: Ambry Variant Classification Scheme 2023. Collection method: clinical testing. Allele origin: germline.

National Institute on Deafness and Communication Disorders, National Institutes of Health
Classification: Uncertain significance for Childhood onset hearing loss. Last evaluated: 2021-07-08. Review status: criteria provided, single submitter. Criteria: ClinGen HL ACMG Specifications v1. Collection method: research. Allele origin: germline. Inheritance: Autosomal dominant inheritance. Affected: yes. Observed: 1 heterozygote. Segregation with disease not observed.
Comment: PS3_moderate, PP3 / Modifications from PMID: 30311386 for classification: The genetic causes of hearing loss have not yet been well characterized in the Yoruba population, and the information regarding variant MAF in this population is still limited, so we did not exclude any variant based on their "high" MAF. PP3 criteria was applied even if the REVEL score was below 0.7, if at least two of the pathogenicity prediction algorithms used predicted that the variant was damaging or likely damaging.

GeneDx
Classification: Uncertain significance. Last evaluated: 2021-04-01. Review status: criteria provided, single submitter. Criteria: GeneDx Variant Classification Process June 2021. Collection method: clinical testing. Allele origin: germline. Affected: yes.
Comment: Observed in multiple unrelated individuals with hypogonadotrophic hypogonadism; the variant was inherited from an unaffected mother in one family, and another family also harbored a frameshift variant in the FGFR1 gene (Kim et al., 2008; Zhang et al., 2019; Cassatella et al., 2018; Xu et al., 2018); Published functional studies confirm variant results in skipping of exon 8, and is predicted to result in a frameshift and subsequent protein truncation (Kim et al., 2008); This variant is associated with the following publications: (PMID: 29144511, 29419413, 18834967)

OMIM
Classification: Pathogenic for HYPOGONADOTROPHIC HYPOGONADISM 5 WITHOUT ANOSMIA. Last evaluated: 2008-10-01. Review status: no assertion criteria provided. Collection method: literature only. Allele origin: germline. Not counted in ClinVar's aggregate classification.

Literature cited by the submitters: PubMed 18834967 (cited by Labcorp Genetics (formerly Invitae), Labcorp and OMIM); PubMed 29419413 (cited by Labcorp Genetics (formerly Invitae), Labcorp and Ambry Genetics); PubMed 34837038 (cited by Labcorp Genetics (formerly Invitae), Labcorp); PubMed 17576681 (cited by Labcorp Genetics (formerly Invitae), Labcorp); PubMed 9536098 (cited by Labcorp Genetics (formerly Invitae), Labcorp).

NM_017780.4(CHD7):c.2613+5G>A

Gene: CHD7 (chromodomain helicase DNA binding protein 7; plus strand). Cytogenetic location: 8q12.2.
Variant type: single nucleotide variant.
Coding change: c.2613+5G>A on transcript NM_017780.4 (MANE Select); 5 bases into the intron after coding-DNA position 2613, G replaced by A.
Molecular consequence: intron variant.
Genome position (GRCh38, 1-based): chr8:60,816,506, G>A. VCF-style: chr8-60816506-G-A. GRCh37 (hg19) VCF-style: chr8-61729065-G-A.
Other names: IVS8, G-A, +5; c.1716+35456G>A (NM_001316690.1).
Identifiers: ClinVar variation 2035 (VCV000002035.16), dbSNP rs202143667, ClinGen allele CA4759761.